The following is an entry in ClinVar:

ClinVar aggregate classification (germline): Uncertain significance. Review status: criteria provided, multiple submitters, no conflicts (2 of 4 stars). 2 submissions from 2 submitters: Uncertain significance (2). Last evaluated 2025-06-17.

Conditions:
Rubinstein-Taybi syndrome due to CREBBP mutations (RSTS1). Also called: RUBINSTEIN-TAYBI SYNDROME 1, INCOMPLETE; BROAD THUMB-HALLUX SYNDROME; RUBINSTEIN SYNDROME; CREBBP-Related Rubinstein-Taybi Syndrome; Rubinstein-Taybi syndrome 1; BROAD THUMBS AND GREAT TOES, CHARACTERISTIC FACIES, AND IMPAIRED INTELLECTUAL DEVELOPMENT. Identifiers: Orphanet 353277, Orphanet 783, MedGen C4551859, MONDO:0008393, OMIM 180849.
Menke-Hennekam syndrome 1 (MKHK1). Identifiers: MedGen C5193034, MONDO:0020763, OMIM 618332.
Rubinstein-Taybi syndrome (RSTS). Identifiers: Orphanet 783, MedGen C0035934, MONDO:0019188.

gnomAD v4.1: 2 of 1,614,122 alleles (0.00012%); highest among the groups gnomAD compares: African/African-American, 0.0013%; no homozygotes.

Submissions (2):

Labcorp Genetics (formerly Invitae), Labcorp
Classification: Uncertain significance for Rubinstein-Taybi syndrome. Last evaluated: 2025-06-17. Review status: criteria provided, single submitter. Criteria: Invitae Variant Classification Sherloc (09022015). Collection method: clinical testing. Allele origin: germline.
Comment: This sequence change replaces proline, which is neutral and non-polar, with leucine, which is neutral and non-polar, at codon 173 of the CREBBP protein (p.Pro173Leu). This variant is not present in population databases (gnomAD no frequency). This variant has not been reported in the literature in individuals affected with CREBBP-related conditions. ClinVar contains an entry for this variant (Variation ID: 3580670). Invitae Evidence Modeling of protein sequence and biophysical properties (such as structural, functional, and spatial information, amino acid conservation, physicochemical variation, residue mobility, and thermodynamic stability) indicates that this missense variant is not expected to disrupt CREBBP protein function with a negative predictive value of 95%. In summary, the available evidence is currently insufficient to determine the role of this variant in disease. Therefore, it has been classified as a Variant of Uncertain Significance.

Fulgent Genetics
Classification: Uncertain significance for Rubinstein-Taybi syndrome due to CREBBP mutations; Menke-Hennekam syndrome 1. Last evaluated: 2024-01-16. Review status: criteria provided, single submitter. Criteria: ACMG Guidelines, 2015. Collection method: clinical testing. Allele origin: germline.

NM_004380.3(CREBBP):c.518C>T (p.Pro173Leu)

Gene: CREBBP (CREB binding lysine acetyltransferase; minus strand). Cytogenetic location: 16p13.3.
Variant type: single nucleotide variant.
Coding change: c.518C>T on transcript NM_004380.3 (MANE Select); coding-DNA position 518, C replaced by T.
Protein change: p.Pro173Leu; replaces proline 173 with leucine.
Molecular consequence: missense variant.
Genome position (GRCh38, 1-based): chr16:3,850,577, G>A on the plus strand (C>T on the coding strand, the complement: CREBBP is on the minus strand). VCF-style: chr16-3850577-G-A. GRCh37 (hg19) VCF-style: chr16-3900578-G-A.
Other names: c.518C>T, p.Pro173Leu (NM_001079846.1); short protein forms P173L.
Identifiers: ClinVar variation 3580670 (VCV003580670.3).
Genomic context (GRCh38, chr16:3,850,577, plus strand): 5'-GAGTTACTATTGAGGAGGCCTGGGTGGGTCTGGTTAAAGTTAGCATTCATGCAGATACCA[G>A]GTCCAGTCTGTGACGTGGCAGGGCTGCTAGTCGCCAGCCCCACTTGCTTTTGTGCTTGCG-3'
Protein context (NP_004371.2, residues 163-183): TSSPATSQTG[Pro173Leu]GICMNANFNQ